The following is an entry in ClinVar:

NM_000051.4(ATM):c.6808-16G>A

Genes: ATM (ATM serine/threonine kinase; plus strand), C11orf65 (chromosome 11 open reading frame 65; minus strand). Cytogenetic location: 11q22.3.
Variant type: single nucleotide variant.
Coding change: c.6808-16G>A on transcript NM_000051.4 (MANE Select); 16 bases into the intron before coding-DNA position 6808, G replaced by A.
Molecular consequence: intron variant.
Genome position (GRCh38, 1-based): chr11:108,326,042, G>A. VCF-style: chr11-108326042-G-A. GRCh37 (hg19) VCF-style: chr11-108196769-G-A.
Other names: c.6808-16G>A (NM_001351834.2); c.641-16971C>T (NM_001330368.2); c.*38+9178C>T (NM_001351110.2).
Identifiers: ClinVar variation 3253947 (VCV003253947.1), dbSNP rs2547214567.

ClinVar aggregate classification (germline): Likely benign. Review status: criteria provided, multiple submitters, no conflicts (2 of 4 stars). 2 submissions from 2 submitters: Likely benign (2). Last evaluated 2026-01-26.

Conditions:
Ataxia-telangiectasia syndrome (AT). Also called: AT, COMPLEMENTATION GROUP C; Ataxia-telangiectasia, complementation group D; ATAXIA-TELANGIECTASIA, COMPLEMENTATION GROUP A; ATAXIA-TELANGIECTASIA, FRESNO VARIANT; Ataxia-telangiectasia; Ataxia-telangiectasia, complementation group E. Identifiers: Orphanet 100, MedGen C0004135, MONDO:0008840, OMIM 208900.
Familial cancer of breast. Also called: hereditary breast carcinoma; BREAST CANCER, FAMILIAL; Hereditary breast cancer. Identifiers: Orphanet 227535, MedGen C0346153, MONDO:0016419, OMIM 114480. Disease mechanism: loss of function.

Submissions (2):

Labcorp Genetics (formerly Invitae), Labcorp
Classification: Likely benign for Ataxia-telangiectasia syndrome. Last evaluated: 2026-01-26. Review status: criteria provided, single submitter. Criteria: Invitae Variant Classification Sherloc (09022015). Collection method: clinical testing. Allele origin: germline.

Myriad Genetics, Inc.
Classification: Likely benign for Familial cancer of breast. Last evaluated: 2024-06-12. Review status: criteria provided, single submitter. Criteria: Myriad Autosomal Dominant, Autosomal Recessive and X-Linked Classification Criteria (2023). Collection method: clinical testing. Allele origin: unknown.
Comment: This variant is considered likely benign. This variant is intronic and is not expected to impact mRNA splicing.